The following is an entry in ClinVar:

NM_000124.4(ERCC6):c.229C>T (p.Arg77Ter)

Gene: ERCC6 (ERCC excision repair 6, chromatin remodeling factor; minus strand). Cytogenetic location: 10q11.23.
Variant type: single nucleotide variant.
Coding change: c.229C>T on transcript NM_000124.4 (MANE Select); coding-DNA position 229, C replaced by T.
Protein change: p.Arg77Ter; replaces arginine 77 with a stop codon.
Molecular consequence: nonsense.
Genome position (GRCh38, 1-based): chr10:49,532,736, G>A on the plus strand (C>T on the coding strand, the complement: ERCC6 is on the minus strand). VCF-style: chr10-49532736-G-A. GRCh37 (hg19) VCF-style: chr10-50740782-G-A.
Other names: c.229C>T (NM_000124.3); c.229C>T, p.Arg77Ter (NM_001277058.2, NM_001277059.2, NM_001346440.2); short protein forms R77*.
Identifiers: ClinVar variation 1708 (VCV000001708.15), dbSNP rs121917903, ClinGen allele CA115155.

ClinVar aggregate classification (germline): Pathogenic. Review status: criteria provided, multiple submitters, no conflicts (2 of 4 stars). 5 submissions from 5 submitters: Pathogenic (4). 1 of the submissions does not count toward it. Last evaluated 2023-07-16.

Conditions:
ERCC6-related disorder. Also called: ERCC6-related disorders; ERCC6-related condition. Identifiers: MedGen CN239385.
Cockayne syndrome. Identifiers: Orphanet 191, MedGen C0009207, MONDO:0016006.
UV-sensitive syndrome 1 (UVSS1). Identifiers: Orphanet 178338, MedGen C3551173, MONDO:0010909, OMIM 600630.
Cockayne syndrome type 2 (CSB). Also called: COCKAYNE SYNDROME B; Cockayne Syndrome, Type II. Identifiers: Orphanet 191, Orphanet 90322, MedGen C0751038, MONDO:0019570, OMIM 133540.

Allele frequency attached by ClinVar (database versions not stated): TOPMed below 0.00001; gnomAD 0.00001; gnomAD exomes 0.00001.
gnomAD v4.1: 17 of 1,614,084 alleles (0.0011%); highest among the groups gnomAD compares: East Asian, 0.0022%; no homozygotes.

Submissions (5):

Labcorp Genetics (formerly Invitae), Labcorp
Classification: Pathogenic. Last evaluated: 2023-07-16. Review status: criteria provided, single submitter. Criteria: Invitae Variant Classification Sherloc (09022015). Collection method: clinical testing. Allele origin: germline.
Comment: This variant is present in population databases (rs121917903, gnomAD 0.003%). This sequence change creates a premature translational stop signal (p.Arg77*) in the ERCC6 gene. It is expected to result in an absent or disrupted protein product. Loss-of-function variants in ERCC6 are known to be pathogenic (PMID: 18628313, 29572252). For these reasons, this variant has been classified as Pathogenic. ClinVar contains an entry for this variant (Variation ID: 1708). This premature translational stop signal has been observed in individual(s) with clinical features of Cockayne syndrome (PMID: 15486090, 30111349).

Women's Health and Genetics/Laboratory Corporation of America, LabCorp
Classification: Pathogenic for Cockayne syndrome. Last evaluated: 2023-04-15. Review status: criteria provided, single submitter. Criteria: LabCorp Variant Classification Summary - May 2015. Collection method: clinical testing. Allele origin: germline.
Comment: Variant summary: ERCC6 c.229C>T (p.Arg77X) results in a premature termination codon and is confirmed to cause absence of the protein (Horibata_2011), which is a commonly known mechanism for disease. Truncations downstream of this position have been classified as pathogenic by our laboratory. The variant allele was found at a frequency of 8e-06 in 251438 control chromosomes (gnomAD). c.229C>T has been reported in the literature as a biallelic genotype in multiple individuals affected with UV-sensitive syndrome (Horibata_2004, Horibata_2011), and Cockayne syndrome (Tonduti_2018, Sun_2019). These data indicate that the variant is very likely to be associated with disease. Two ClinVar submitters have assessed the variant since 2014: both classified the variant as pathogenic. Based on the evidence outlined above, the variant was classified as pathogenic.

Blueprint Genetics
Classification: Pathogenic for ERCC6-related disorders. Last evaluated: 2019-12-12. Review status: criteria provided, single submitter. Criteria: ACMG Guidelines, 2015. Collection method: clinical testing. Allele origin: germline. Affected: yes. Observed: 2 variant alleles.

Genetic Services Laboratory, University of Chicago
Classification: Pathogenic for Cockayne syndrome, type B. Last evaluated: 2015-10-29. Review status: criteria provided, single submitter. Criteria: ACMG Guidelines, 2015. Collection method: clinical testing. Allele origin: germline. Affected: yes.

OMIM
Classification: Pathogenic for UV-SENSITIVE SYNDROME 1. Last evaluated: 2012-05-01. Review status: no assertion criteria provided. Collection method: literature only. Allele origin: germline. Not counted in ClinVar's aggregate classification.

Literature cited by the submitters: PubMed 18628313 (cited by Labcorp Genetics (formerly Invitae), Labcorp); PubMed 29572252 (cited by Labcorp Genetics (formerly Invitae), Labcorp); PubMed 15486090 (cited by 3 submitters); PubMed 30111349 (cited by Labcorp Genetics (formerly Invitae), Labcorp and Women's Health and Genetics/Laboratory Corporation of America, LabCorp); PubMed 29915382 (cited by Women's Health and Genetics/Laboratory Corporation of America, LabCorp); PubMed 21143350 (cited by Women's Health and Genetics/Laboratory Corporation of America, LabCorp); PubMed 7264357 (cited by OMIM); PubMed 9777763 (cited by OMIM); PubMed 22466610 (cited by OMIM); PubMed 22483866 (cited by OMIM).